The following is an entry in ClinVar:

NC_000013.11:g.(?_32346807)_(32346916_?)del

Gene: BRCA2 (BRCA2 DNA repair associated; plus strand). Cytogenetic location: 13q13.1.
Variant type: Deletion.
Identifiers: ClinVar variation 583994 (VCV000583994.4).

ClinVar aggregate classification (germline): Pathogenic (1 of 4 stars; one submission).

Conditions:
Hereditary breast ovarian cancer syndrome. Also called: Hereditary breast and ovarian cancer syndrome; Hereditary breast and/or ovarian cancer syndrome; Hereditary breast and ovarian cancer syndrome (HBOC); Breast and ovarian cancer; BRCA1- and BRCA2-Associated Hereditary Breast and Ovarian Cancer; Hereditary breast and ovarian cancer. Identifiers: Orphanet 145, MedGen C0677776, MeSH D061325, MONDO:0003582. Disease mechanism: loss of function.

Submission:

Labcorp Genetics (formerly Invitae), Labcorp
Classification: Pathogenic for Hereditary breast ovarian cancer syndrome. Last evaluated: 2022-07-14. Review status: criteria provided, single submitter. Criteria: Invitae Variant Classification Sherloc (09022015). Collection method: clinical testing. Allele origin: germline.
Comment: This variant is a gross deletion of the genomic region encompassing exon(s) 13 of the BRCA2 gene. This deletion is out-of-frame, and is expected to create a premature termination codon and result in an absent or disrupted protein product. Loss-of-function variants in BRCA2 are known to be pathogenic (PMID: 20104584). A similar copy number variant has been observed in individual(s) with clinical features of hereditary breast and ovarian cancer (PMID: 29907814). For these reasons, this variant has been classified as Pathogenic.

Literature cited by the submitters: PubMed 20104584; PubMed 29907814.